The following is an entry in ClinVar:

ClinVar aggregate classification (germline): Uncertain significance. Review status: criteria provided, multiple submitters, no conflicts (2 of 4 stars). 2 submissions from 2 submitters: Uncertain significance (2). Last evaluated 2026-06-10.

Conditions:
COL2A1-related disorder. Also called: COL2A1-related condition; COL2A1-related disorders.

Submissions (2):

PreventionGenetics, part of Exact Sciences
Classification: Uncertain significance for COL2A1-related condition. Last evaluated: 2026-06-10. Review status: criteria provided, single submitter. Criteria: ACMG Guidelines, 2015. Collection method: clinical testing. Allele origin: germline.
Comment: The COL2A1 c.162_163insCATGTGTGGAAGCCGGAGCCCTGCCGGATC variant is predicted to result in an in-frame amino acid insertion (p.Ile54_Cys55insHisValTrpLysProGluProCysArgIle). To our knowledge, this variant has not been reported in the literature or in a large population database (gnomAD), indicating this variant is rare. At this time, the clinical significance of this variant is uncertain due to the absence of conclusive functional and genetic evidence.

GeneDx
Classification: Uncertain significance. Last evaluated: 2024-06-06. Review status: criteria provided, single submitter. Criteria: GeneDx Variant Classification Process June 2021. Collection method: clinical testing. Allele origin: germline. Affected: yes.
Comment: In-frame insertion of 10 amino acids in a non-repeat region; Not observed at significant frequency in large population cohorts (gnomAD); Has not been previously published as pathogenic or benign to our knowledge

NM_001844.5(COL2A1):c.162_163insCATGTGTGGAAGCCGGAGCCCTGCCGGATC (p.Ile54_Cys55insHisValTrpLysProGluProCysArgIle)

Gene: COL2A1 (collagen type II alpha 1 chain; minus strand). Cytogenetic location: 12q13.11.
Variant type: Insertion.
Coding change: c.162_163insCATGTGTGGAAGCCGGAGCCCTGCCGGATC on transcript NM_001844.5 (MANE Select); coding-DNA positions 162 to 163, CATGTGTGGAAGCCGGAGCCCTGCCGGATC inserted.
Protein change: p.Ile54_Cys55insHisValTrpLysProGluProCysArgIle.
Molecular consequence: intron variant (on NM_033150.3).
Genome position: GRCh38 VCF-style: chr12-48000048-A-AGATCCGGCAGGGCTCCGGCTTCCACACATG. GRCh37 (hg19) VCF-style: chr12-48393831-A-AGATCCGGCAGGGCTCCGGCTTCCACACATG.
Other names: c.86-1618_86-1617insATGTGTGGAAGCCGGAGCCCTGCCGGATCC (NM_033150.3).
Identifiers: ClinVar variation 3384249 (VCV003384249.2).